The following is an entry in ClinVar:

NM_001852.4(COL9A2):c.845A>C (p.Glu282Ala)

Gene: COL9A2 (collagen type IX alpha 2 chain; minus strand). Cytogenetic location: 1p34.2.
Variant type: single nucleotide variant.
Coding change: c.845A>C on transcript NM_001852.4 (MANE Select); coding-DNA position 845, A replaced by C.
Protein change: p.Glu282Ala; replaces glutamic acid 282 with alanine.
Molecular consequence: missense variant.
Genome position (GRCh38, 1-based): chr1:40,309,939, T>G on the plus strand (A>C on the coding strand, the complement: COL9A2 is on the minus strand). VCF-style: chr1-40309939-T-G. GRCh37 (hg19) VCF-style: chr1-40775611-T-G.
Other names: short protein forms E282A.
Identifiers: ClinVar variation 1938284 (VCV001938284.5), dbSNP rs770075367, ClinGen allele CA791723.

ClinVar aggregate classification (germline): Uncertain significance (1 of 4 stars; one submission).

Allele frequency attached by ClinVar (database versions not stated): ExAC 0.00001; gnomAD exomes 0.00001.
gnomAD v4.1: 6 of 1,613,606 alleles (0.00037%); highest among the groups gnomAD compares: Non-Finnish European, 0.00042%; no homozygotes.

Submission:

Labcorp Genetics (formerly Invitae), Labcorp
Classification: Uncertain significance. Last evaluated: 2024-02-27. Review status: criteria provided, single submitter. Criteria: Invitae Variant Classification Sherloc (09022015). Collection method: clinical testing. Allele origin: germline.
Comment: This sequence change replaces glutamic acid, which is acidic and polar, with alanine, which is neutral and non-polar, at codon 282 of the COL9A2 protein (p.Glu282Ala). This variant is present in population databases (rs770075367, gnomAD 0.002%). This variant has not been reported in the literature in individuals affected with COL9A2-related conditions. ClinVar contains an entry for this variant (Variation ID: 1938284). An algorithm developed to predict the effect of missense changes on protein structure and function (PolyPhen-2) suggests that this variant is likely to be tolerated. In summary, the available evidence is currently insufficient to determine the role of this variant in disease. Therefore, it has been classified as a Variant of Uncertain Significance.